The following is an entry in ClinVar:

NM_004655.4(AXIN2):c.2053A>G (p.Met685Val)

Gene: AXIN2 (axin 2; minus strand). Cytogenetic location: 17q24.1.
Variant type: single nucleotide variant.
Coding change: c.2053A>G on transcript NM_004655.4 (MANE Select); coding-DNA position 2053, A replaced by G.
Protein change: p.Met685Val; replaces methionine 685 with valine.
Molecular consequence: missense variant.
Genome position (GRCh38, 1-based): chr17:65,536,408, T>C on the plus strand (A>G on the coding strand, the complement: AXIN2 is on the minus strand). VCF-style: chr17-65536408-T-C. GRCh37 (hg19) VCF-style: chr17-63532526-T-C.
Other names: c.2053A>G (LRG_296t1); c.1858A>G, p.Met620Val (NM_001363813.1); short protein forms M685V, M620V.
Identifiers: ClinVar variation 533172 (VCV000533172.18), dbSNP rs111650787, ClinGen allele CA8718422.

ClinVar aggregate classification (germline): Uncertain significance. Review status: criteria provided, multiple submitters, no conflicts (2 of 4 stars). 5 submissions from 5 submitters: Uncertain significance (5). Last evaluated 2026-02-08.

Conditions:
Oligodontia-cancer predisposition syndrome. Also called: TOOTH AGENESIS-COLORECTAL CANCER SYNDROME. Identifiers: Orphanet 300576, MedGen C1837750, MONDO:0012075, OMIM 608615. Disease mechanism: loss of function.
Colorectal cancer. Also called: Malignant Colorectal Neoplasm; Colorectal cancer, somatic. Identifiers: MedGen C0346629, MONDO:0005575, OMIM 114500.
AXIN2-related disorder.
Hereditary cancer-predisposing syndrome. Also called: Hereditary neoplastic syndrome; Hereditary Cancer Syndrome; Neoplastic Syndromes, Hereditary; Tumor predisposition. Identifiers: Orphanet 140162, MedGen C0027672, MeSH D009386, MONDO:0015356.

Allele frequency attached by ClinVar (database versions not stated): gnomAD exomes below 0.00001 and 0.00001; ExAC 0.00001; gnomAD 0.00002; TOPMed 0.00006.

Submissions (5):

PreventionGenetics, part of Exact Sciences
Classification: Uncertain significance for AXIN2-related condition. Last evaluated: 2026-02-08. Review status: criteria provided, single submitter. Criteria: ACMG Guidelines, 2015. Collection method: clinical testing. Allele origin: germline.
Comment: The AXIN2 c.2053A>G variant is predicted to result in the amino acid substitution p.Met685Val. To our knowledge, this variant has not been reported in the literature. This variant is reported in 3 of ~277,000 alleles in gnomAD. It is interpreted as uncertain significance in ClinVar (Variation ID: 533172). At this time, the clinical significance of this variant is uncertain due to the absence of conclusive functional and genetic evidence.

Labcorp Genetics (formerly Invitae), Labcorp
Classification: Uncertain significance for Oligodontia-cancer predisposition syndrome. Last evaluated: 2025-12-13. Review status: criteria provided, single submitter. Criteria: Invitae Variant Classification Sherloc (09022015). Collection method: clinical testing. Allele origin: germline.
Comment: This sequence change replaces methionine, which is neutral and non-polar, with valine, which is neutral and non-polar, at codon 685 of the AXIN2 protein (p.Met685Val). This variant is present in population databases (rs111650787, gnomAD 0.008%). This variant has not been reported in the literature in individuals affected with AXIN2-related conditions. ClinVar contains an entry for this variant (Variation ID: 533172). An algorithm developed to predict the effect of missense changes on protein structure and function outputs the following: PolyPhen-2: "Benign". The valine amino acid residue is found in multiple mammalian species, which suggests that this missense change does not adversely affect protein function. RNA analysis performed to evaluate the impact of this missense change on mRNA splicing indicates it does not significantly alter splicing (internal data). In summary, the available evidence is currently insufficient to determine the role of this variant in disease. Therefore, it has been classified as a Variant of Uncertain Significance.

Dasa
Classification: Uncertain significance. Last evaluated: 2025-10-13. Review status: criteria provided, single submitter. Criteria: DASA Assertion Criteria. Collection method: clinical testing. Allele origin: germline.
Comment: NM_004655.4(AXIN2):c.2053A>G (p.Met685Val) is a missense variant that results in the substitution of methionine with valine. This variant is rare in population databases. Computational prediction algorithms are consistent with a benign effect. The currently available literature and clinical evidence are not sufficient to establish a definitive association between this variant and the reported condition. Therefore, this variant is classified as a variant of uncertain significance.

Fulgent Genetics
Classification: Uncertain significance for Colorectal cancer; Oligodontia-cancer predisposition syndrome. Last evaluated: 2024-03-26. Review status: criteria provided, single submitter. Criteria: ACMG Guidelines, 2015. Collection method: clinical testing. Allele origin: germline.

Ambry Genetics
Classification: Uncertain significance for Hereditary cancer-predisposing syndrome. Last evaluated: 2024-02-29. Review status: criteria provided, single submitter. Criteria: Ambry Variant Classification Scheme 2023. Collection method: clinical testing. Allele origin: germline.
Comment: The p.M685V variant (also known as c.2053A>G), located in coding exon 7 of the AXIN2 gene, results from an A to G substitution at nucleotide position 2053. The methionine at codon 685 is replaced by valine, an amino acid with highly similar properties. This amino acid position is not well conserved in available vertebrate species. In addition, this alteration is predicted to be tolerated by in silico analysis. Since supporting evidence is limited at this time, the clinical significance of this alteration remains unclear.